The following is an entry in ClinVar:

NM_201596.3(CACNB2):c.1093G>A (p.Ala365Thr)

Gene: CACNB2 (calcium voltage-gated channel auxiliary subunit beta 2; plus strand). Cytogenetic location: 10p12.31.
Variant type: single nucleotide variant.
Coding change: c.1093G>A on transcript NM_201596.3 (MANE Select); coding-DNA position 1093, G replaced by A.
Protein change: p.Ala365Thr; replaces alanine 365 with threonine.
Molecular consequence: missense variant.
Genome position (GRCh38, 1-based): chr10:18,534,114, G>A. VCF-style: chr10-18534114-G-A. GRCh37 (hg19) VCF-style: chr10-18823043-G-A.
Other names: c.895G>A, p.Ala299Thr (NM_001167945.2); c.814G>A, p.Ala272Thr (NM_001330060.2); c.835G>A, p.Ala279Thr (NM_001410882.1); c.949G>A, p.Ala317Thr (NM_201570.3); c.1009G>A, p.Ala337Thr (NM_201571.4); c.937G>A, p.Ala313Thr (NM_201572.4); c.931G>A, p.Ala311Thr (NM_201590.3); c.979G>A, p.Ala327Thr (NM_201593.3); and 2 more; short protein forms A313T, A317T, A327T, A337T, A365T, A311T, A279T, A299T.
Identifiers: ClinVar variation 1766565 (VCV001766565.7), dbSNP rs371232673, ClinGen allele CA5429910.

ClinVar aggregate classification (germline): Uncertain significance. Review status: criteria provided, multiple submitters, no conflicts (2 of 4 stars). 3 submissions from 3 submitters: Uncertain significance (3). Last evaluated 2025-08-16.

Conditions:
Cardiovascular phenotype. Identifiers: MedGen CN230736.
Brugada syndrome 4 (BRGDA4). Identifiers: Orphanet 130, MedGen C2678477, MONDO:0012743, OMIM 611876.

Allele frequency attached by ClinVar (database versions not stated): ExAC 0.00001; TOPMed 0.00002; ESP Exome Variant Server 0.00008; gnomAD exomes 0.00003; gnomAD 0.00004.
gnomAD v4.1: 44 of 1,613,886 alleles (0.0027%); highest among the groups gnomAD compares: Non-Finnish European, 0.0036%; no homozygotes.

Submissions (3):

Labcorp Genetics (formerly Invitae), Labcorp
Classification: Uncertain significance for Brugada syndrome 4. Last evaluated: 2025-08-16. Review status: criteria provided, single submitter. Criteria: Invitae Variant Classification Sherloc (09022015). Collection method: clinical testing. Allele origin: germline.
Comment: This sequence change replaces alanine, which is neutral and non-polar, with threonine, which is neutral and polar, at codon 311 of the CACNB2 protein (p.Ala311Thr). This variant is present in population databases (rs371232673, gnomAD 0.003%). This variant has not been reported in the literature in individuals affected with CACNB2-related conditions. ClinVar contains an entry for this variant (Variation ID: 1766565). Invitae Evidence Modeling of protein sequence and biophysical properties (such as structural, functional, and spatial information, amino acid conservation, physicochemical variation, residue mobility, and thermodynamic stability) indicates that this missense variant is expected to disrupt CACNB2 protein function with a positive predictive value of 80%. In summary, the available evidence is currently insufficient to determine the role of this variant in disease. Therefore, it has been classified as a Variant of Uncertain Significance.

Institute of Immunology and Genetics Kaiserslautern
Classification: Uncertain significance for Brugada syndrome 4. Last evaluated: 2025-04-15. Review status: criteria provided, single submitter. Criteria: ACMG Guidelines, 2015. Collection method: clinical testing. Allele origin: germline. Affected: yes.
Comment: ACMG Criteria: PM2_P, PP3 ; Variant was found in heterozygous state.

Ambry Genetics
Classification: Uncertain significance for Cardiovascular phenotype. Last evaluated: 2024-05-21. Review status: criteria provided, single submitter. Criteria: Ambry Variant Classification Scheme 2023. Collection method: clinical testing. Allele origin: germline.
Comment: The p.A311T variant (also known as c.931G>A), located in coding exon 10 of the CACNB2 gene, results from a G to A substitution at nucleotide position 931. The alanine at codon 311 is replaced by threonine, an amino acid with similar properties. This amino acid position is conserved. In addition, this alteration is predicted to be deleterious by in silico analysis. Since supporting evidence is limited at this time, the clinical significance of this alteration remains unclear.